The following is an entry in ClinVar:

ClinVar aggregate classification (germline): Likely benign. Review status: criteria provided, multiple submitters, no conflicts (2 of 4 stars). 3 submissions from 3 submitters: Likely benign (3). Last evaluated 2023-03-01.

Conditions:
Cortical dysplasia-focal epilepsy syndrome (PTHSL1). Also called: Pitt-Hopkins-like syndrome 1. Identifiers: Orphanet 163681, Orphanet 221150, MedGen C2750246, MONDO:0012400, OMIM 610042.

Allele frequency attached by ClinVar (database versions not stated): ExAC 0.00001; gnomAD 0.00001; gnomAD exomes 0.00001 and 0.00002; TOPMed 0.00002.
gnomAD v4.1: 15 of 1,613,814 alleles (0.00093%); highest among the groups gnomAD compares: East Asian, 0.011%; no homozygotes.

Submissions (3):

CeGaT Center for Human Genetics Tuebingen
Classification: Likely benign. Last evaluated: 2023-03-01. Review status: criteria provided, single submitter. Criteria: CeGaT Center For Human Genetics Tuebingen Variant Classification Criteria Version 2. Collection method: clinical testing. Allele origin: germline. Affected: yes. Observed: 1 variant allele.
Comment: CNTNAP2: BP4, BP7

Labcorp Genetics (formerly Invitae), Labcorp
Classification: Likely benign for Cortical dysplasia-focal epilepsy syndrome. Last evaluated: 2022-10-05. Review status: criteria provided, single submitter. Criteria: Invitae Variant Classification Sherloc (09022015). Collection method: clinical testing. Allele origin: germline.

Blueprint Genetics
Classification: Likely benign. Last evaluated: 2022-07-15. Review status: criteria provided, single submitter. Criteria: ACMG Guidelines, 2015. Collection method: clinical testing. Allele origin: germline.

NM_014141.6(CNTNAP2):c.1857C>T (p.Ser619=)

Gene: CNTNAP2 (contactin associated protein 2; plus strand). Cytogenetic location: 7q35.
Variant type: single nucleotide variant.
Coding change: c.1857C>T on transcript NM_014141.6 (MANE Select); coding-DNA position 1857, C replaced by T.
Protein change: p.Ser619=; no amino-acid change (serine 619 retained).
Molecular consequence: synonymous variant.
Genome position (GRCh38, 1-based): chr7:147,562,217, C>T. VCF-style: chr7-147562217-C-T. GRCh37 (hg19) VCF-style: chr7-147259309-C-T.
Identifiers: ClinVar variation 1085028 (VCV001085028.34), dbSNP rs753699122, ClinGen allele CA4546221.